The following is an entry in ClinVar:

ClinVar aggregate classification (germline): Uncertain significance. Review status: criteria provided, multiple submitters, no conflicts (2 of 4 stars). 2 submissions from 2 submitters: Uncertain significance (2). Last evaluated 2026-09-11.

Conditions:
Ataxia-telangiectasia syndrome (AT). Also called: Cerebello-oculocutaneous telangiectasia; Immunodeficiency with ataxia telangiectasia; Ataxia-telangiectasia, complementation group E; LOUIS-BAR SYNDROME; Ataxia telangiectasia (A-T); Ataxia-telangiectasia, complementation group D. Identifiers: Orphanet 100, MedGen C0004135, MONDO:0008840, OMIM 208900.
Hereditary cancer-predisposing syndrome. Also called: Hereditary Cancer Syndrome; Hereditary neoplastic syndrome; Neoplastic Syndromes, Hereditary; Tumor predisposition. Identifiers: Orphanet 140162, MedGen C0027672, MeSH D009386, MONDO:0015356.

Submissions (2):

Ambry Genetics
Classification: Uncertain significance for Hereditary cancer-predisposing syndrome. Last evaluated: 2026-09-11. Review status: criteria provided, single submitter. Criteria: Ambry Variant Classification Scheme 2023. Collection method: clinical testing. Allele origin: germline.
Comment: The p.L150I variant (also known as c.448C>A), located in coding exon 4 of the ATM gene, results from a C to A substitution at nucleotide position 448. The leucine at codon 150 is replaced by isoleucine, an amino acid with highly similar properties. . This amino acid position is highly conserved in available vertebrate species. In addition, the in silico prediction for this alteration is inconclusive. Based on the available evidence, the clinical significance of this variant remains unclear.

Labcorp Genetics (formerly Invitae), Labcorp
Classification: Uncertain significance for Ataxia-telangiectasia syndrome. Last evaluated: 2023-06-16. Review status: criteria provided, single submitter. Criteria: Invitae Variant Classification Sherloc (09022015). Collection method: clinical testing. Allele origin: germline.
Comment: This sequence change replaces leucine, which is neutral and non-polar, with isoleucine, which is neutral and non-polar, at codon 150 of the ATM protein (p.Leu150Ile). This variant is not present in population databases (gnomAD no frequency). This variant has not been reported in the literature in individuals affected with ATM-related conditions. An algorithm developed to predict the effect of missense changes on protein structure and function (PolyPhen-2) suggests that this variant is likely to be disruptive. In summary, the available evidence is currently insufficient to determine the role of this variant in disease. Therefore, it has been classified as a Variant of Uncertain Significance.

Literature cited by the submitters: PubMed 40580951 (cited by Ambry Genetics).

NM_000051.4(ATM):c.448C>A (p.Leu150Ile)

Gene: ATM (ATM serine/threonine kinase; plus strand). Cytogenetic location: 11q22.3.
Variant type: single nucleotide variant.
Coding change: c.448C>A on transcript NM_000051.4 (MANE Select); coding-DNA position 448, C replaced by A.
Protein change: p.Leu150Ile; replaces leucine 150 with isoleucine.
Molecular consequence: missense variant.
Genome position (GRCh38, 1-based): chr11:108,235,786, C>A. VCF-style: chr11-108235786-C-A. GRCh37 (hg19) VCF-style: chr11-108106513-C-A.
Other names: c.448C>A, p.Leu150Ile (NM_001351834.2); short protein forms L150I.
Identifiers: ClinVar variation 2717112 (VCV002717112.3), dbSNP rs1555059404, ClinGen allele CA382525323.